The following is an entry in ClinVar:

ClinVar aggregate classification (germline): Uncertain significance (1 of 4 stars; one submission).

Allele frequency attached by ClinVar (database versions not stated): gnomAD exomes below 0.00001; ExAC 0.00001.
gnomAD v4.1: 1 of 1,614,136 alleles (0.000062%); highest among the groups gnomAD compares: Non-Finnish European, 0.000085%; no homozygotes.

Submission:

GeneDx
Classification: Uncertain significance. Last evaluated: 2023-06-30. Review status: criteria provided, single submitter. Criteria: GeneDx Variant Classification Process June 2021. Collection method: clinical testing. Allele origin: germline. Affected: yes.
Comment: Not observed at significant frequency in large population cohorts (gnomAD); In silico analysis supports that this missense variant has a deleterious effect on protein structure/function; Has not been previously published as pathogenic or benign to our knowledge

NM_015100.4(POGZ):c.1658A>G (p.His553Arg)

Gene: POGZ (pogo transposable element derived with ZNF domain; minus strand). Cytogenetic location: 1q21.3.
Variant type: single nucleotide variant.
Coding change: c.1658A>G on transcript NM_015100.4 (MANE Select); coding-DNA position 1658, A replaced by G.
Protein change: p.His553Arg; replaces histidine 553 with arginine.
Molecular consequence: missense variant.
Genome position (GRCh38, 1-based): chr1:151,423,417, T>C on the plus strand (A>G on the coding strand, the complement: POGZ is on the minus strand). VCF-style: chr1-151423417-T-C. GRCh37 (hg19) VCF-style: chr1-151395893-T-C.
Other names: c.1631A>G, p.His544Arg (NM_001194937.2); c.1472A>G, p.His491Arg (NM_001194938.2); c.1679A>G, p.His560Arg (NM_001410860.1); c.1373A>G, p.His458Arg (NM_145796.4); c.1499A>G, p.His500Arg (NM_207171.2); short protein forms H458R, H491R, H500R, H544R, H553R, H560R.
Identifiers: ClinVar variation 2577812 (VCV002577812.1), dbSNP rs746685201, ClinGen allele CA1091385.
Genomic context (GRCh38, chr1:151,423,417, plus strand): 5'-AAGGTATATTCCCCTTGAGTTTAAGAGTTTCCAAACTTACTAGTAGATTCATAGGGACTA[T>C]GAACATTTTCCAAGTGGCACTGAAGCTGGAAGGGAGTGGAAAACTGGCGGTAACAGTGCT-3'
Protein context (NP_055915.2, residues 543-563): FQLQCHLENV[His553Arg]SPYESTTKCK